The following is an entry in ClinVar:

NM_000203.5(IDUA):c.878_889dup (p.Thr293_Tyr296dup)

Gene: IDUA (alpha-L-iduronidase; plus strand). Cytogenetic location: 4p16.3.
Variant type: Duplication.
Coding change: c.878_889dup on transcript NM_000203.5 (MANE Select); coding-DNA positions 878 to 889, 12 bases duplicated (CCCCCATTTACA).
Protein change: p.Thr293_Tyr296dup.
Molecular consequence: inframe insertion. On other transcripts: non-coding transcript variant (1).
Genome position (GRCh38, 1-based): chr4:1,002,067-1,002,078, CCCCCATTTACA duplicated; duplicating any 12 consecutive bases within chr4:1,002,064-1,002,078 gives the same sequence; the c. name uses the placement nearest the transcript's 3' end. VCF-style (leftmost placement, unchanged base first): chr4-1002063-G-GACACCCCCATTT. GRCh37 (hg19) VCF-style: chr4-995851-G-GACACCCCCATTT.
Other names: c.482_493dup, p.Thr161_Tyr164dup (NM_001363576.1); c.878_889dupCCCCCATTTACA (NM_000203.4); c.878_889dup12 (NM_000203.4).
Identifiers: ClinVar variation 550382 (VCV000550382.21), dbSNP rs779762183, ClinGen allele CA2802114.

ClinVar aggregate classification (germline): Pathogenic/Likely pathogenic. Review status: criteria provided, multiple submitters, no conflicts (2 of 4 stars). 6 submissions from 6 submitters: Pathogenic (3); Likely pathogenic (1). 2 of the submissions do not count toward it. Last evaluated 2026-01-20.

Conditions:
Hurler syndrome. Also called: Gargoylism, Hurler Syndrome; MUCOPOLYSACCHARIDOSIS TYPE IH; Severe MPS I (Hurler Syndrome). Identifiers: Orphanet 93473, MedGen C0086795, MONDO:0011758, OMIM 607014.
Mucopolysaccharidosis, MPS-I-S. Also called: Scheie Syndrome; MPS V; MUCOPOLYSACCHARIDOSIS TYPE V; MUCOPOLYSACCHARIDOSIS TYPE IS. Identifiers: Orphanet 93474, MedGen C0026708, MONDO:0011760, OMIM 607016.
Mucopolysaccharidosis, MPS-I-H/S. Also called: Mucopolysaccharidosis type IH/S. Identifiers: Orphanet 93476, MedGen C0086431, MONDO:0011759, OMIM 607015.
Mucopolysaccharidosis type 1. Also called: Mucopolysaccharidosis Type I; IDUA deficiency; MPS I. Identifiers: Orphanet 579, MedGen C0023786, MONDO:0001586.

Submissions (6):

Labcorp Genetics (formerly Invitae), Labcorp
Classification: Pathogenic for Mucopolysaccharidosis type 1. Last evaluated: 2026-01-20. Review status: criteria provided, single submitter. Criteria: Invitae Variant Classification Sherloc (09022015). Collection method: clinical testing. Allele origin: germline.
Comment: This variant, c.878_889dup, results in the insertion of 4 amino acid(s) of the IDUA protein (p.Thr293_Tyr296dup), but otherwise preserves the integrity of the reading frame. This variant is not present in population databases (gnomAD no frequency). This variant has been observed in individual(s) with mucopolysaccharidosis (MPS) type I (PMID: 9787109, 12203999, 21394825, 23786846; internal data). ClinVar contains an entry for this variant (Variation ID: 550382). Algorithms developed to predict the effect of variants on gene product structure and function are not available or were not evaluated for this variant. Experimental studies have shown that this variant affects IDUA function (PMID: 11735025). For these reasons, this variant has been classified as Pathogenic.

Fulgent Genetics
Classification: Pathogenic for Hurler syndrome; Mucopolysaccharidosis, MPS-I-H/S; Mucopolysaccharidosis, MPS-I-S. Last evaluated: 2024-04-11. Review status: criteria provided, single submitter. Criteria: ACMG Guidelines, 2015. Collection method: clinical testing. Allele origin: germline.

Revvity Omics, Revvity
Classification: Likely pathogenic. Last evaluated: 2024-03-28. Review status: criteria provided, single submitter. Criteria: ACMG Guidelines, 2015. Collection method: clinical testing. Allele origin: germline.

Women's Health and Genetics/Laboratory Corporation of America, LabCorp
Classification: Pathogenic for Mucopolysaccharidosis type 1. Last evaluated: 2023-02-04. Review status: criteria provided, single submitter. Criteria: LabCorp Variant Classification Summary - May 2015. Collection method: clinical testing. Allele origin: germline.
Comment: Variant summary: IDUA c.878_889dup12 (p.Thr293_Tyr296dup) results in an in-frame duplication that is predicted to duplicate 4 amino acids into the encoded protein. The variant allele was found at a frequency of 6.6e-06 in 150926 control chromosomes (gnomAD v3.1.2). c.878_889dup12 has been reported in the literature as a biallelic genotype in multiple individuals affected with Mucopolysaccharidosis Type 1 (e.g. Bunge_1995, Bertola_2011, Chistiakov_2014, Ghosh_2017). These data indicate that the variant is very likely to be associated with disease. Residual IDUA activity was 0.9% in cells from a compound heterozygous individual that carried a null variant in trans, indicating this variant also results in loss of function (Oussoren_2013). Three ClinVar submitters have assessed the variant since 2014: one classified the variant as likely pathogenic, and two as pathogenic. Based on the evidence outlined above, the variant was classified as pathogenic.

Natera, Inc.
Classification: Pathogenic for Mucopolysaccharidosis type I. Last evaluated: 2020-08-14. Review status: no assertion criteria provided. Collection method: clinical testing. Allele origin: germline. Not counted in ClinVar's aggregate classification.

Counsyl
Classification: Likely pathogenic for Hurler syndrome. Last evaluated: 2017-01-20. Review status: no assertion criteria provided. Collection method: clinical testing. Allele origin: unknown. Not counted in ClinVar's aggregate classification.

Literature cited by the submitters: PubMed 9787109 (cited by Labcorp Genetics (formerly Invitae), Labcorp and Counsyl); PubMed 12203999 (cited by Labcorp Genetics (formerly Invitae), Labcorp and Counsyl); PubMed 21394825 (cited by 3 submitters); PubMed 23786846 (cited by Labcorp Genetics (formerly Invitae), Labcorp and Women's Health and Genetics/Laboratory Corporation of America, LabCorp); PubMed 11735025 (cited by Labcorp Genetics (formerly Invitae), Labcorp and Counsyl); PubMed 24875751 (cited by Women's Health and Genetics/Laboratory Corporation of America, LabCorp); PubMed 7550242 (cited by Women's Health and Genetics/Laboratory Corporation of America, LabCorp and Counsyl); PubMed 28752568 (cited by Women's Health and Genetics/Laboratory Corporation of America, LabCorp).